The following is an entry in ClinVar:

ClinVar aggregate classification (germline): Uncertain significance (1 of 4 stars; one submission).

Conditions:
Hyperekplexia 2 (HKPX2). Identifiers: Orphanet 3197, MedGen C3553291, MONDO:0013828, OMIM 614619.

Allele frequency attached by ClinVar (database versions not stated): gnomAD 0.00001 and 0.00002.
gnomAD v4.1: 7 of 1,598,844 alleles (0.00044%); highest among the groups gnomAD compares: Admixed American, 0.0084%; no homozygotes.

Submission:

Labcorp Genetics (formerly Invitae), Labcorp
Classification: Uncertain significance for Hyperekplexia 2. Last evaluated: 2022-07-19. Review status: criteria provided, single submitter. Criteria: Invitae Variant Classification Sherloc (09022015). Collection method: clinical testing. Allele origin: germline.
Comment: In summary, the available evidence is currently insufficient to determine the role of this variant in disease. Therefore, it has been classified as a Variant of Uncertain Significance. Advanced modeling of protein sequence and biophysical properties (such as structural, functional, and spatial information, amino acid conservation, physicochemical variation, residue mobility, and thermodynamic stability) performed at Invitae indicates that this missense variant is not expected to disrupt GLRB protein function. ClinVar contains an entry for this variant (Variation ID: 1383149). This variant has not been reported in the literature in individuals affected with GLRB-related conditions. This variant is present in population databases (no rsID available, gnomAD 0.003%). This sequence change replaces arginine, which is basic and polar, with leucine, which is neutral and non-polar, at codon 50 of the GLRB protein (p.Arg50Leu).

NM_000824.5(GLRB):c.149G>T (p.Arg50Leu)

Gene: GLRB (glycine receptor beta; plus strand). Cytogenetic location: 4q32.1.
Variant type: single nucleotide variant.
Coding change: c.149G>T on transcript NM_000824.5 (MANE Select); coding-DNA position 149, G replaced by T.
Protein change: p.Arg50Leu; replaces arginine 50 with leucine.
Molecular consequence: missense variant.
Genome position (GRCh38, 1-based): chr4:157,120,582, G>T. VCF-style: chr4-157120582-G-T. GRCh37 (hg19) VCF-style: chr4-158041734-G-T.
Other names: c.149G>T, p.Arg50Leu (NM_001166060.2, NM_001166061.2); short protein forms R50L.
Identifiers: ClinVar variation 1383149 (VCV001383149.6), dbSNP rs746978405, ClinGen allele CA358641642.